The following is an entry in ClinVar:

NM_012213.3(MLYCD):c.637A>T (p.Ser213Cys)

Gene: MLYCD (malonyl-CoA decarboxylase; plus strand). Cytogenetic location: 16q23.3.
Variant type: single nucleotide variant.
Coding change: c.637A>T on transcript NM_012213.3 (MANE Select); coding-DNA position 637, A replaced by T.
Protein change: p.Ser213Cys; replaces serine 213 with cysteine.
Molecular consequence: missense variant.
Genome position (GRCh38, 1-based): chr16:83,907,095, A>T. VCF-style: chr16-83907095-A-T. GRCh37 (hg19) VCF-style: chr16-83940700-A-T.
Other names: short protein forms S213C.
Identifiers: ClinVar variation 653829 (VCV000653829.6), dbSNP rs552425982, ClinGen allele CA8197299.

ClinVar aggregate classification (germline): Uncertain significance (1 of 4 stars; one submission).

Conditions:
Deficiency of malonyl-CoA decarboxylase. Also called: Malonic aciduria; MCD deficiency. Identifiers: Orphanet 943, MedGen C0342793, MONDO:0009556, OMIM 248360.

Allele frequency attached by ClinVar (database versions not stated): gnomAD exomes 0.00002 and 0.00003; ExAC 0.00003; TOPMed 0.00003; gnomAD 0.00005.
gnomAD v4.1: 48 of 1,610,058 alleles (0.003%); highest among the groups gnomAD compares: African/African-American, 0.004%; no homozygotes.

Submission:

Labcorp Genetics (formerly Invitae), Labcorp
Classification: Uncertain significance for Deficiency of malonyl-CoA decarboxylase. Last evaluated: 2021-08-31. Review status: criteria provided, single submitter. Criteria: Invitae Variant Classification Sherloc (09022015). Collection method: clinical testing. Allele origin: germline.
Comment: This sequence change replaces serine with cysteine at codon 213 of the MLYCD protein (p.Ser213Cys). The serine residue is highly conserved and there is a moderate physicochemical difference between serine and cysteine. This variant is present in population databases (rs552425982, ExAC 0.01%). This variant has not been reported in the literature in individuals affected with MLYCD-related conditions. Algorithms developed to predict the effect of missense changes on protein structure and function are either unavailable or do not agree on the potential impact of this missense change (SIFT: "Deleterious"; PolyPhen-2: "Probably Damaging"; Align-GVGD: "Class C15"). In summary, the available evidence is currently insufficient to determine the role of this variant in disease. Therefore, it has been classified as a Variant of Uncertain Significance.